The following is an entry in ClinVar:

ClinVar aggregate classification (germline): Uncertain significance. Review status: criteria provided, multiple submitters, no conflicts (2 of 4 stars). 2 submissions from 2 submitters: Uncertain significance (2). Last evaluated 2025-02-06.

Conditions:
Inborn genetic diseases. Identifiers: MedGen C0950123, MeSH D030342.

Allele frequency attached by ClinVar (database versions not stated): gnomAD 0.00001; gnomAD exomes 0.00001; TOPMed 0.00001.

Submissions (2):

Ambry Genetics
Classification: Uncertain significance for Inborn genetic diseases. Last evaluated: 2025-02-06. Review status: criteria provided, single submitter. Criteria: Ambry Variant Classification Scheme 2023. Collection method: clinical testing. Allele origin: germline.

GeneDx
Classification: Uncertain significance. Last evaluated: 2022-02-21. Review status: criteria provided, single submitter. Criteria: GeneDx Variant Classification Process June 2021. Collection method: clinical testing. Allele origin: germline. Affected: yes.
Comment: In silico analysis supports that this missense variant does not alter protein structure/function; Has not been previously published as pathogenic or benign to our knowledge

NM_001372044.2(SHANK3):c.2398A>G (p.Thr800Ala)

Gene: SHANK3 (SH3 and multiple ankyrin repeat domains 3; plus strand). Cytogenetic location: 22q13.33.
Variant type: single nucleotide variant.
Coding change: c.2398A>G on transcript NM_001372044.2 (MANE Select); coding-DNA position 2398, A replaced by G.
Protein change: p.Thr800Ala; replaces threonine 800 with alanine.
Molecular consequence: missense variant.
Genome position (GRCh38, 1-based): chr22:50,714,955, A>G. VCF-style: chr22-50714955-A-G. GRCh37 (hg19) VCF-style: chr22-51153383-A-G.
Other names: c.2173A>G (NM_033517.1); short protein forms T800A.
Identifiers: ClinVar variation 1702561 (VCV001702561.3), dbSNP rs748955765, ClinGen allele CA10325834.